The following is an entry in ClinVar:

NM_000138.5(FBN1):c.1402A>G (p.Thr468Ala)

Gene: FBN1 (fibrillin 1; minus strand). Cytogenetic location: 15q21.1.
Variant type: single nucleotide variant.
Coding change: c.1402A>G on transcript NM_000138.5 (MANE Select); coding-DNA position 1402, A replaced by G.
Protein change: p.Thr468Ala; replaces threonine 468 with alanine.
Molecular consequence: missense variant.
Genome position (GRCh38, 1-based): chr15:48,515,453, T>C on the plus strand (A>G on the coding strand, the complement: FBN1 is on the minus strand). VCF-style: chr15-48515453-T-C. GRCh37 (hg19) VCF-style: chr15-48807650-T-C.
Other names: short protein forms T468A.
Identifiers: ClinVar variation 929865 (VCV000929865.6), dbSNP rs2043792730, ClinGen allele CA392343798.

ClinVar aggregate classification (germline): Likely pathogenic (1 of 4 stars; one submission).

Conditions:
Left ventricular diastolic dysfunction. Identifiers: MedGen C1273070, HP:0025168.
Marfan syndrome (MFS). Also called: Marfan syndrome, classic; Marfan syndrome type 1; Marfan's syndrome; FBN1-Related Marfan Syndrome; MARFAN SYNDROME, TYPE I. Identifiers: Orphanet 284963, Orphanet 558, MedGen C0024796, MONDO:0007947, OMIM 154700.

Submission:

Health Biotechnology Lab, Department of Biotechnology, Abdul Wali Khan University Mardan
Classification: Likely pathogenic for Marfan syndrome; Left ventricular diastolic dysfunction. Last evaluated: 2020-12-05. Review status: criteria provided, single submitter. Criteria: ACMG Guidelines, 2015. Collection method: research. Allele origin: paternal. Inheritance: Autosomal dominant inheritance. Affected: yes. Observed: 1 heterozygote.
Comment: novel variant